The following is an entry in ClinVar:

ClinVar aggregate classification (germline): Conflicting classifications of pathogenicity. Review status: criteria provided, conflicting classifications (1 of 4 stars). 2 submissions from 2 submitters: Uncertain significance (1); Likely benign (1). Last evaluated 2025-05-15.

Conditions:
Seizure. Also called: Seizures. Identifiers: MedGen C0036572, HP:0001250.
Developmental and epileptic encephalopathy 94 (DEE94). Also called: Epileptic encephalopathy, childhood-onset; CHD2-Related Neurodevelopmental Disorders. Identifiers: Orphanet 1942, Orphanet 2382, MedGen C3809278, MONDO:0014150, OMIM 615369.

Submissions (2):

Cytogénomique, Hospices Civils de Lyon
Classification: Likely benign for Seizure. Last evaluated: 2025-05-15. Review status: criteria provided, single submitter. Criteria: ACMG Guidelines, 2015. Collection method: clinical testing. Allele origin: maternal. Affected: yes.

Labcorp Genetics (formerly Invitae), Labcorp
Classification: Uncertain significance for Developmental and epileptic encephalopathy 94. Last evaluated: 2025-01-11. Review status: criteria provided, single submitter. Criteria: Invitae Variant Classification Sherloc (09022015). Collection method: clinical testing. Allele origin: germline.
Comment: This sequence change replaces aspartic acid, which is acidic and polar, with asparagine, which is neutral and polar, at codon 1717 of the CHD2 protein (p.Asp1717Asn). This variant is not present in population databases (gnomAD no frequency). This variant has not been reported in the literature in individuals affected with CHD2-related conditions. Invitae Evidence Modeling of protein sequence and biophysical properties (such as structural, functional, and spatial information, amino acid conservation, physicochemical variation, residue mobility, and thermodynamic stability) indicates that this missense variant is not expected to disrupt CHD2 protein function with a negative predictive value of 95%. In summary, the available evidence is currently insufficient to determine the role of this variant in disease. Therefore, it has been classified as a Variant of Uncertain Significance.

NM_001271.4(CHD2):c.5149G>A (p.Asp1717Asn)

Gene: CHD2 (chromodomain helicase DNA binding protein 2; plus strand). Cytogenetic location: 15q26.1.
Variant type: single nucleotide variant.
Coding change: c.5149G>A on transcript NM_001271.4 (MANE Select); coding-DNA position 5149, G replaced by A.
Protein change: p.Asp1717Asn; replaces aspartic acid 1717 with asparagine.
Molecular consequence: missense variant.
Genome position (GRCh38, 1-based): chr15:93,020,254, G>A. VCF-style: chr15-93020254-G-A. GRCh37 (hg19) VCF-style: chr15-93563484-G-A.
Other names: short protein forms D1717N.
Identifiers: ClinVar variation 3636698 (VCV003636698.3).
Genomic context (GRCh38, chr15:93,020,254, plus strand): 5'-AAGAGGCCTTATGACCAGTACAGCAGTGACCGAGACCACCGGGGACACAGAGATTATTAT[G>A]ACAGGTATGCAAAAGGCTGTGAGACACCAGGTGCCAACCTTTGCCAGGAGCTGTTTCTAG-3'
Protein context (NP_001262.3, residues 1707-1727): RDHRGHRDYY[Asp1717Asn]RHHHDSKRRR